The following is an entry in ClinVar:

ClinVar aggregate classification (germline): Conflicting classifications of pathogenicity. Review status: criteria provided, conflicting classifications (1 of 4 stars). 2 submissions from 2 submitters: Likely pathogenic (1); Uncertain significance (1). Last evaluated 2025-01-29.

Conditions:
Congenital myopathy 4B, autosomal recessive. Also called: Nemaline myopathy 1, autosomal dominant or recessive. Identifiers: Orphanet 171433, Orphanet 171439, Orphanet 171881, MedGen C5829889, MONDO:0012239, OMIM 609284.
Congenital myopathy with fiber type disproportion. Also called: Congenital fiber-type disproportion myopathy; Congenital fiber-type disproportion. Identifiers: Orphanet 2020, MedGen C0546264, MONDO:0009711. Inheritance: all.

Allele frequency attached by ClinVar (database versions not stated): ExAC 0.00001; gnomAD 0.00001; TOPMed 0.00002.
gnomAD v4.1: 2 of 1,614,020 alleles (0.00012%); highest among the groups gnomAD compares: African/African-American, 0.0013%; no homozygotes.

Submissions (2):

Labcorp Genetics (formerly Invitae), Labcorp
Classification: Likely pathogenic for Congenital myopathy with fiber type disproportion; Congenital myopathy 4B, autosomal recessive. Last evaluated: 2025-01-29. Review status: criteria provided, single submitter. Criteria: Invitae Variant Classification Sherloc (09022015). Collection method: clinical testing. Allele origin: germline.
Comment: This sequence change affects a donor splice site in intron 6 of the TPM3 gene. It is expected to disrupt RNA splicing. Variants that disrupt the donor or acceptor splice site typically lead to a loss of protein function (PMID: 16199547), and loss-of-function variants in TPM3 are known to be pathogenic (PMID: 10619715, 27858751). This variant is not present in population databases (gnomAD no frequency). This variant has not been reported in the literature in individuals affected with TPM3-related conditions. ClinVar contains an entry for this variant (Variation ID: 2172695). Algorithms developed to predict the effect of sequence changes on RNA splicing suggest that this variant may disrupt the consensus splice site. In summary, the currently available evidence indicates that the variant is pathogenic, but additional data are needed to prove that conclusively. Therefore, this variant has been classified as Likely Pathogenic.

Revvity Omics, Revvity
Classification: Uncertain significance. Last evaluated: 2020-12-03. Review status: criteria provided, single submitter. Criteria: ACMG Guidelines, 2015. Collection method: clinical testing. Allele origin: germline.

Literature cited by the submitters: PubMed 16199547 (cited by Labcorp Genetics (formerly Invitae), Labcorp); PubMed 10619715 (cited by Labcorp Genetics (formerly Invitae), Labcorp); PubMed 27858751 (cited by Labcorp Genetics (formerly Invitae), Labcorp).

NM_152263.4(TPM3):c.642+2T>C

Gene: TPM3 (tropomyosin 3; minus strand). Cytogenetic location: 1q21.3.
Variant type: single nucleotide variant.
Coding change: c.642+2T>C on transcript NM_152263.4 (MANE Select); the canonical splice donor site of the intron after coding-DNA position 642, T replaced by C.
Molecular consequence: splice donor variant. On other transcripts: intron variant (8).
Genome position (GRCh38, 1-based): chr1:154,171,411, A>G on the plus strand (T>C on the coding strand, the complement: TPM3 is on the minus strand). VCF-style: chr1-154171411-A-G. GRCh37 (hg19) VCF-style: chr1-154143887-A-G.
Other names: c.642+2T>C (NM_001364681.2, NM_001364679.2); c.642+618T>C (NM_001364680.2, NM_001364682.1); c.333+618T>C (NM_001278188.2); c.531+2T>C (NM_001043351.2, NM_001043353.2, NM_001349679.2); c.531+618T>C (NM_001278190.2, NM_153649.4, NM_001043352.2 and 2 more transcripts); c.261+2T>C (NM_001278191.2).
Identifiers: ClinVar variation 2172695 (VCV002172695.7), dbSNP rs750152844, ClinGen allele CA1125586.